The following is an entry in ClinVar:

ClinVar aggregate classification (germline): Uncertain significance (1 of 4 stars; one submission).

Allele frequency attached by ClinVar (database versions not stated): gnomAD 0.00001.
gnomAD v4.1: 2 of 1,596,786 alleles (0.00013%); highest among the groups gnomAD compares: African/African-American, 0.0027%; no homozygotes.

Submission:

GeneDx
Classification: Uncertain significance. Last evaluated: 2026-10-20. Review status: criteria provided, single submitter. Criteria: GeneDx Variant Classification Process June 2021. Collection method: clinical testing. Allele origin: germline.
Comment: Has not been previously published as pathogenic or benign to our knowledge; Not observed at significant frequency in large population cohorts (gnomAD); In silico analysis supports that this missense variant has a deleterious effect on protein structure/function; Not located in one of the three hot-spot regions of the RYR2 gene, where the majority of pathogenic missense variants occur (PMID: 19926015); This variant is associated with the following publications: (PMID: 19926015)

NM_001035.3(RYR2):c.7979A>T (p.Glu2660Val)

Gene: RYR2 (ryanodine receptor 2; plus strand). Cytogenetic location: 1q43.
Variant type: single nucleotide variant.
Coding change: c.7979A>T on transcript NM_001035.3 (MANE Select); coding-DNA position 7979, A replaced by T.
Protein change: p.Glu2660Val; replaces glutamic acid 2660 with valine.
Molecular consequence: missense variant.
Genome position (GRCh38, 1-based): chr1:237,655,834, A>T. VCF-style: chr1-237655834-A-T. GRCh37 (hg19) VCF-style: chr1-237819134-A-T.
Other names: short protein forms E2660V.
Identifiers: ClinVar variation 1320959 (VCV001320959.3), dbSNP rs1683193751, ClinGen allele CA345400723.